The following is an entry in ClinVar:

ClinVar aggregate classification (germline): Uncertain significance (1 of 4 stars; one submission).

Conditions:
Bardet-Biedl syndrome (BBS). Identifiers: Orphanet 110, MedGen C0752166, MONDO:0015229.

Allele frequency attached by ClinVar (database versions not stated): TOPMed 0.00001.
gnomAD v4.1: 5 of 1,614,172 alleles (0.00031%); highest among the groups gnomAD compares: Non-Finnish European, 0.00042%; no homozygotes.

Submission:

Labcorp Genetics (formerly Invitae), Labcorp
Classification: Uncertain significance for Bardet-Biedl syndrome. Last evaluated: 2022-10-13. Review status: criteria provided, single submitter. Criteria: Invitae Variant Classification Sherloc (09022015). Collection method: clinical testing. Allele origin: germline.
Comment: This sequence change replaces tyrosine, which is neutral and polar, with cysteine, which is neutral and slightly polar, at codon 378 of the BBS4 protein (p.Tyr378Cys). This variant is not present in population databases (gnomAD no frequency). This variant has not been reported in the literature in individuals affected with BBS4-related conditions. ClinVar contains an entry for this variant (Variation ID: 1416566). Advanced modeling of protein sequence and biophysical properties (such as structural, functional, and spatial information, amino acid conservation, physicochemical variation, residue mobility, and thermodynamic stability) has been performed at Invitae for this missense variant, however the output from this modeling did not meet the statistical confidence thresholds required to predict the impact of this variant on BBS4 protein function. In summary, the available evidence is currently insufficient to determine the role of this variant in disease. Therefore, it has been classified as a Variant of Uncertain Significance.

NM_033028.5(BBS4):c.1133A>G (p.Tyr378Cys)

Gene: BBS4 (Bardet-Biedl syndrome 4; plus strand). Cytogenetic location: 15q24.1.
Variant type: single nucleotide variant.
Coding change: c.1133A>G on transcript NM_033028.5 (MANE Select); coding-DNA position 1133, A replaced by G.
Protein change: p.Tyr378Cys; replaces tyrosine 378 with cysteine.
Molecular consequence: missense variant. On other transcripts: non-coding transcript variant (2).
Genome position (GRCh38, 1-based): chr15:72,735,851, A>G. VCF-style: chr15-72735851-A-G. GRCh37 (hg19) VCF-style: chr15-73028192-A-G.
Other names: c.617A>G, p.Tyr206Cys (NM_001252678.2); c.1064A>G, p.Tyr355Cys (NM_001320665.2); short protein forms Y355C, Y378C, Y206C.
Identifiers: ClinVar variation 1416566 (VCV001416566.3), dbSNP rs766266805, ClinGen allele CA393080006.